The following is an entry in ClinVar:

ClinVar aggregate classification (germline): Uncertain significance. Review status: criteria provided, multiple submitters, no conflicts (2 of 4 stars). 3 submissions from 3 submitters: Uncertain significance (3). Last evaluated 2025-08-19.

Allele frequency attached by ClinVar (database versions not stated): ESP Exome Variant Server 0.00015.
gnomAD v4.1: 29 of 1,614,002 alleles (0.0018%); highest among the groups gnomAD compares: Middle Eastern, 0.033%; no homozygotes.

Submissions (3):

Labcorp Genetics (formerly Invitae), Labcorp
Classification: Uncertain significance. Last evaluated: 2025-08-19. Review status: criteria provided, single submitter. Criteria: Invitae Variant Classification Sherloc (09022015). Collection method: clinical testing. Allele origin: germline.
Comment: This sequence change replaces arginine, which is basic and polar, with proline, which is neutral and non-polar, at codon 540 of the TRAP1 protein (p.Arg540Pro). This variant is present in population databases (rs141361125, gnomAD 0.09%), and has an allele count higher than expected for a pathogenic variant. This variant has not been reported in the literature in individuals affected with TRAP1-related conditions. ClinVar contains an entry for this variant (Variation ID: 1948803). Invitae Evidence Modeling of protein sequence and biophysical properties (such as structural, functional, and spatial information, amino acid conservation, physicochemical variation, residue mobility, and thermodynamic stability) indicates that this missense variant is not expected to disrupt TRAP1 protein function with a negative predictive value of 80%. In summary, the available evidence is currently insufficient to determine the role of this variant in disease. Therefore, it has been classified as a Variant of Uncertain Significance.

Ambry Genetics
Classification: Uncertain significance. Last evaluated: 2023-02-22. Review status: criteria provided, single submitter. Criteria: Ambry Variant Classification Scheme 2023. Collection method: clinical testing. Allele origin: germline.

Breakthrough Genomics
Classification: Uncertain significance. Review status: criteria provided, single submitter. Criteria: ACMG Guidelines, 2015. Collection method: not provided. Allele origin: germline. Inheritance: Unknown mechanism. Affected: yes.

NM_016292.3(TRAP1):c.1619G>C (p.Arg540Pro)

Genes: DNASE1 (deoxyribonuclease 1; plus strand), TRAP1 (TNF receptor associated protein 1; minus strand). Cytogenetic location: 16p13.3.
Variant type: single nucleotide variant.
Coding change: c.1619G>C on transcript NM_016292.3 (MANE Select); coding-DNA position 1619, G replaced by C.
Protein change: p.Arg540Pro; replaces arginine 540 with proline.
Molecular consequence: missense variant. On other transcripts: 3 prime UTR variant (1).
Genome position (GRCh38, 1-based): chr16:3,663,513, C>G on the plus strand (G>C on the coding strand, the complement: TRAP1 is on the minus strand). VCF-style: chr16-3663513-C-G. GRCh37 (hg19) VCF-style: chr16-3713514-C-G.
Other names: c.1460G>C, p.Arg487Pro (NM_001272049.2); c.*889C>G (NM_001387140.1); short protein forms R487P, R540P.
Identifiers: ClinVar variation 1948803 (VCV001948803.7), dbSNP rs141361125, ClinGen allele CA7867996.